The following is an entry in ClinVar:

ClinVar aggregate classification (germline): Uncertain significance (1 of 4 stars; one submission).

Allele frequency attached by ClinVar (database versions not stated): TOPMed below 0.00001.
gnomAD v4.1: 11 of 1,613,818 alleles (0.00068%); highest among the groups gnomAD compares: South Asian, 0.012%; no homozygotes.

Submission:

Labcorp Genetics (formerly Invitae), Labcorp
Classification: Uncertain significance. Last evaluated: 2023-03-10. Review status: criteria provided, single submitter. Criteria: Invitae Variant Classification Sherloc (09022015). Collection method: clinical testing. Allele origin: germline.
Comment: In summary, the available evidence is currently insufficient to determine the role of this variant in disease. Therefore, it has been classified as a Variant of Uncertain Significance. An algorithm developed to predict the effect of missense changes on protein structure and function (PolyPhen-2) suggests that this variant is likely to be tolerated. This variant has not been reported in the literature in individuals affected with MAST1-related conditions. This variant is present in population databases (rs759443859, gnomAD 0.02%). This sequence change replaces arginine, which is basic and polar, with histidine, which is basic and polar, at codon 702 of the MAST1 protein (p.Arg702His).

NM_014975.3(MAST1):c.2105G>A (p.Arg702His)

Gene: MAST1 (microtubule associated serine/threonine kinase 1; plus strand). Cytogenetic location: 19p13.13.
Variant type: single nucleotide variant.
Coding change: c.2105G>A on transcript NM_014975.3 (MANE Select); coding-DNA position 2105, G replaced by A.
Protein change: p.Arg702His; replaces arginine 702 with histidine.
Molecular consequence: missense variant.
Genome position (GRCh38, 1-based): chr19:12,866,728, G>A. VCF-style: chr19-12866728-G-A. GRCh37 (hg19) VCF-style: chr19-12977542-G-A.
Other names: short protein forms R702H.
Identifiers: ClinVar variation 2878816 (VCV002878816.3), dbSNP rs759443859, ClinGen allele CA9233037.